The following is an entry in ClinVar:

ClinVar aggregate classification (germline): Conflicting classifications of pathogenicity. Review status: criteria provided, conflicting classifications (1 of 4 stars). 7 submissions from 7 submitters: Uncertain significance (3); Likely benign (3). 1 of the submissions does not count toward it. Last evaluated 2026-01-11.

Conditions:
Inborn genetic diseases. Identifiers: MedGen C0950123, MeSH D030342.
Exostoses, multiple, type 2 (EXT2). Also called: Hereditary Multiple Osteochondromatosis, Type II; EXOSTOSES, MULTIPLE, TYPE II. Identifiers: Orphanet 321, MedGen C1851413, MONDO:0007586, OMIM 133701.

Allele frequency attached by ClinVar (database versions not stated): 1000 Genomes Project 30x 0.00016; 1000 Genomes Project 0.00020; ExAC 0.00058; gnomAD exomes 0.00058 and 0.00108; gnomAD 0.00063 and 0.00079; TOPMed 0.00074; ESP Exome Variant Server 0.00108.

Submissions (7):

Labcorp Genetics (formerly Invitae), Labcorp
Classification: Likely benign for Exostoses, multiple, type 2. Last evaluated: 2026-01-11. Review status: criteria provided, single submitter. Criteria: Invitae Variant Classification Sherloc (09022015). Collection method: clinical testing. Allele origin: germline.

Mayo Clinic Laboratories, Mayo Clinic
Classification: Uncertain significance. Last evaluated: 2024-12-05. Review status: criteria provided, single submitter. Criteria: ACMG Guidelines, 2015. Collection method: clinical testing. Allele origin: germline. Observed: 1 variant allele.
Comment: BS1

Blueprint Genetics
Classification: Likely benign. Last evaluated: 2024-09-30. Review status: criteria provided, single submitter. Criteria: ACMG Guidelines, 2015. Collection method: clinical testing. Allele origin: germline.

Ambry Genetics
Classification: Uncertain significance for Inborn genetic diseases. Last evaluated: 2021-08-30. Review status: criteria provided, single submitter. Criteria: Ambry Variant Classification Scheme 2023. Collection method: clinical testing. Allele origin: germline.

Eurofins Ntd Llc (ga)
Classification: Uncertain significance. Last evaluated: 2016-05-14. Review status: criteria provided, single submitter. Criteria: EGL Classification Definitions 2015. Collection method: clinical testing. Allele origin: germline. Observed: 1 variant allele, 1 heterozygote.

PreventionGenetics, part of Exact Sciences
Classification: Likely benign. Review status: criteria provided, single submitter. Criteria: ACMG Guidelines, 2015. Collection method: clinical testing. Allele origin: germline.

Department of Pathology and Laboratory Medicine, Sinai Health System
Classification: Likely benign. Review status: no assertion criteria provided. Collection method: clinical testing. Allele origin: unknown. Affected: yes. Study: The Canadian Open Genetics Repository (COGR). Not counted in ClinVar's aggregate classification.
Comment: The EXT2 p.E563K variant was identified in 1 individual with MâˆšÂºllerian adenosarcoma (Howitt_2015_PMID:25231023). The variant was identified in dbSNP (ID: rs148711133) and ClinVar (classified as likely benign by Prevention Genetics and Invitae; and as uncertain significance by EGL Genetic Diagnostics). This variant was not found in COSMIC. The variant was identified in control databases in 166 of 282838 chromosomes (1 homozygous) at a frequency of 0.0005869, and was observed at the highest frequency in the European (non-Finnish) population in 148 of 129156 chromosomes (freq: 0.001146) (Genome Aggregation Database March 6, 2019, v2.1.1). The p.E563 residue is conserved in mammals and computational analyses (MUT Assesor, PolyPhen-2, SIFT, MutationTaster, Revel, FATHMM, MetaLR, DANN) provide inconsistent predictions regarding the impact to the protein; this information is not very predictive of pathogenicity. The variant occurs outside of the splicing consensus sequence and in silico or computational prediction software programs (Splice AI exome) do not predict a difference in splicing. In summary, based on the above information the clinical significance of this variant cannot be determined with certainty at this time although we would lean towards a more benign role for this variant. This variant is classified as likely benign.

NM_207122.2(EXT2):c.1588G>A (p.Glu530Lys)

Gene: EXT2 (exostosin glycosyltransferase 2; plus strand). Cytogenetic location: 11p11.2.
Variant type: single nucleotide variant.
Coding change: c.1588G>A on transcript NM_207122.2 (MANE Select); coding-DNA position 1588, G replaced by A.
Protein change: p.Glu530Lys; replaces glutamic acid 530 with lysine.
Molecular consequence: missense variant.
Genome position (GRCh38, 1-based): chr11:44,206,885, G>A. VCF-style: chr11-44206885-G-A. GRCh37 (hg19) VCF-style: chr11-44228435-G-A.
Other names: p.Glu530Lys; c.1687G>A, p.Glu563Lys (NM_000401.3); c.1618G>A, p.Glu540Lys (NM_001178083.3); c.1588G>A, p.Glu530Lys (NM_001389628.1, NM_001389630.1); short protein forms E530K, E563K, E540K.
Identifiers: ClinVar variation 263287 (VCV000263287.19), dbSNP rs148711133, ClinGen allele CA5955300.